The following is an entry in ClinVar:

NM_001128148.3(TFRC):c.2066A>G (p.Tyr689Cys)

Gene: TFRC (transferrin receptor; minus strand). Cytogenetic location: 3q29.
Variant type: single nucleotide variant.
Coding change: c.2066A>G on transcript NM_001128148.3 (MANE Select); coding-DNA position 2066, A replaced by G.
Protein change: p.Tyr689Cys; replaces tyrosine 689 with cysteine.
Molecular consequence: missense variant.
Genome position (GRCh38, 1-based): chr3:196,052,159, T>C on the plus strand (A>G on the coding strand, the complement: TFRC is on the minus strand). VCF-style: chr3-196052159-T-C. GRCh37 (hg19) VCF-style: chr3-195779030-T-C.
Other names: c.1823A>G, p.Tyr608Cys (NM_001313965.2); c.1220A>G, p.Tyr407Cys (NM_001313966.2); c.2066A>G, p.Tyr689Cys (NM_003234.4); short protein forms Y407C, Y689C, Y608C.
Identifiers: ClinVar variation 1384453 (VCV001384453.6), dbSNP rs777181863, ClinGen allele CA2777713.

ClinVar aggregate classification (germline): Uncertain significance (1 of 4 stars; one submission).

Allele frequency attached by ClinVar (database versions not stated): gnomAD exomes below 0.00001; ExAC 0.00001; TOPMed 0.00002; gnomAD 0.00004.
gnomAD v4.1: 21 of 1,613,818 alleles (0.0013%); highest among the groups gnomAD compares: African/African-American, 0.0053%; no homozygotes.

Submission:

Labcorp Genetics (formerly Invitae), Labcorp
Classification: Uncertain significance. Last evaluated: 2023-07-21. Review status: criteria provided, single submitter. Criteria: Invitae Variant Classification Sherloc (09022015). Collection method: clinical testing. Allele origin: germline.
Comment: This sequence change replaces tyrosine, which is neutral and polar, with cysteine, which is neutral and slightly polar, at codon 689 of the TFRC protein (p.Tyr689Cys). This variant is present in population databases (rs777181863, gnomAD 0.0009%). This variant has not been reported in the literature in individuals affected with TFRC-related conditions. ClinVar contains an entry for this variant (Variation ID: 1384453). Advanced modeling of protein sequence and biophysical properties (such as structural, functional, and spatial information, amino acid conservation, physicochemical variation, residue mobility, and thermodynamic stability) performed at Invitae indicates that this missense variant is expected to disrupt TFRC protein function. In summary, the available evidence is currently insufficient to determine the role of this variant in disease. Therefore, it has been classified as a Variant of Uncertain Significance.